The following is an entry in ClinVar:

NM_000038.6(APC):c.2760T>C (p.Asn920=)

Gene: APC (APC regulator of Wnt signaling pathway; plus strand). Cytogenetic location: 5q22.2.
Variant type: single nucleotide variant.
Coding change: c.2760T>C on transcript NM_000038.6 (MANE Select); coding-DNA position 2760, T replaced by C.
Protein change: p.Asn920=; no amino-acid change (asparagine 920 retained).
Molecular consequence: synonymous variant.
Genome position (GRCh38, 1-based): chr5:112,838,354, T>C. VCF-style: chr5-112838354-T-C. GRCh37 (hg19) VCF-style: chr5-112174051-T-C.
Other names: c.2760T>C, p.Asn920= (NM_001127510.3, NM_001354895.2); c.2706T>C, p.Asn902= (NM_001127511.3); c.2814T>C, p.Asn938= (NM_001354896.2); c.2790T>C, p.Asn930= (NM_001354897.2); c.2685T>C, p.Asn895= (NM_001354898.2); c.2676T>C, p.Asn892= (NM_001354899.2); c.2637T>C, p.Asn879= (NM_001354900.2); c.2583T>C, p.Asn861= (NM_001354901.2); and 5 more.
Identifiers: ClinVar variation 512425 (VCV000512425.13), dbSNP rs1554084427, ClinGen allele CA445962856.

ClinVar aggregate classification (germline): Benign/Likely benign. Review status: criteria provided, multiple submitters, no conflicts (2 of 4 stars). 4 submissions from 4 submitters: Benign (1); Likely benign (3). Last evaluated 2024-04-29.

Conditions:
Familial adenomatous polyposis 1 (FAP1). Also called: FAMILIAL ADENOMATOUS POLYPOSIS 1, ATTENUATED; POLYPOSIS, ADENOMATOUS INTESTINAL. Identifiers: MedGen C2713442, MONDO:0021056, OMIM 175100. Disease mechanism: loss of function.
Hereditary cancer-predisposing syndrome. Also called: Hereditary Cancer Syndrome; Neoplastic Syndromes, Hereditary; Tumor predisposition; Hereditary neoplastic syndrome. Identifiers: Orphanet 140162, MedGen C0027672, MeSH D009386, MONDO:0015356.

Submissions (4):

Labcorp Genetics (formerly Invitae), Labcorp
Classification: Likely benign for Familial adenomatous polyposis 1. Last evaluated: 2024-04-29. Review status: criteria provided, single submitter. Criteria: Invitae Variant Classification Sherloc (09022015). Collection method: clinical testing. Allele origin: germline.

Myriad Genetics, Inc.
Classification: Benign for Familial adenomatous polyposis 1. Last evaluated: 2024-03-15. Review status: criteria provided, single submitter. Criteria: Myriad Autosomal Dominant, Autosomal Recessive and X-Linked Classification Criteria (2023). Collection method: clinical testing. Allele origin: unknown.
Comment: This variant is considered benign. This variant is a silent/synonymous amino acid change and it is not expected to impact splicing.

Ambry Genetics
Classification: Likely benign for Hereditary cancer-predisposing syndrome. Last evaluated: 2019-05-15. Review status: criteria provided, single submitter. Criteria: Ambry Variant Classification Scheme 2023. Collection method: clinical testing. Allele origin: germline.

GeneDx
Classification: Likely benign. Last evaluated: 2017-09-26. Review status: criteria provided, single submitter. Criteria: GeneDx Variant Classification (06012015). Collection method: clinical testing. Allele origin: germline. Affected: yes.
Comment: This variant is considered likely benign or benign based on one or more of the following criteria: it is a conservative change, it occurs at a poorly conserved position in the protein, it is predicted to be benign by multiple in silico algorithms, and/or has population frequency not consistent with disease.